The following is an entry in ClinVar:

NM_004393.6(DAG1):c.1846C>T (p.Pro616Ser)

Gene: DAG1 (dystroglycan 1; plus strand). Cytogenetic location: 3p21.31.
Variant type: single nucleotide variant.
Coding change: c.1846C>T on transcript NM_004393.6 (MANE Select); coding-DNA position 1846, C replaced by T.
Protein change: p.Pro616Ser; replaces proline 616 with serine.
Molecular consequence: missense variant.
Genome position (GRCh38, 1-based): chr3:49,532,357, C>T. VCF-style: chr3-49532357-C-T. GRCh37 (hg19) VCF-style: chr3-49569790-C-T.
Other names: c.1846C>T (NM_004393.4); c.1846C>T, p.Pro616Ser (NM_001177634.3, NM_001177635.3, NM_001177636.3 and 9 more transcripts); short protein forms P616S.
Identifiers: ClinVar variation 1461758 (VCV001461758.9), dbSNP rs372730352, ClinGen allele CA2399159.

ClinVar aggregate classification (germline): Uncertain significance. Review status: criteria provided, multiple submitters, no conflicts (2 of 4 stars). 2 submissions from 2 submitters: Uncertain significance (2). Last evaluated 2024-10-21.

Conditions:
Inborn genetic diseases. Identifiers: MedGen C0950123, MeSH D030342.
Muscular dystrophy-dystroglycanopathy (congenital with brain and eye anomalies), type A9. Also called: WALKER-WARBURG SYNDROME OR MUSCLE-EYE BRAIN DISEASE, DAG1-RELATED; Muscular dystrophy-dystroglycanopathy (congenital with brain and eye anomalies), type a, 9. Identifiers: Orphanet 370997, Orphanet 899, MedGen C4225291, MONDO:0014683, OMIM 616538.
Autosomal recessive limb-girdle muscular dystrophy type 2P. Also called: Limb-Girdle Muscular Dystrophy Type 9C; MUSCULAR DYSTROPHY-DYSTROGLYCANOPATHY, LIMB-GIRDLE, DAG1-RELATED; MUSCULAR DYSTROPHY, LIMB-GIRDLE, TYPE 2P. Identifiers: Orphanet 280333, MedGen C4511963, MONDO:0013440, OMIM 613818.

Allele frequency attached by ClinVar (database versions not stated): gnomAD exomes 0.00001 and 0.00002; ExAC 0.00002; gnomAD 0.00002 and 0.00003; TOPMed 0.00003; ESP Exome Variant Server 0.00008.
gnomAD v4.1: 6 of 1,614,018 alleles (0.00037%); highest among the groups gnomAD compares: African/African-American, 0.008%; no homozygotes.

Submissions (2):

Ambry Genetics
Classification: Uncertain significance for Inborn genetic diseases. Last evaluated: 2024-10-21. Review status: criteria provided, single submitter. Criteria: Ambry Variant Classification Scheme 2023. Collection method: clinical testing. Allele origin: germline.

Labcorp Genetics (formerly Invitae), Labcorp
Classification: Uncertain significance for Autosomal recessive limb-girdle muscular dystrophy type 2P; Muscular dystrophy-dystroglycanopathy (congenital with brain and eye anomalies), type A9. Last evaluated: 2020-10-30. Review status: criteria provided, single submitter. Criteria: Invitae Variant Classification Sherloc (09022015). Collection method: clinical testing. Allele origin: germline.
Comment: This sequence change replaces proline with serine at codon 616 of the DAG1 protein (p.Pro616Ser). The proline residue is moderately conserved and there is a moderate physicochemical difference between proline and serine. This variant is present in population databases (rs372730352, ExAC 0.02%). This variant has not been reported in the literature in individuals with DAG1-related conditions. Algorithms developed to predict the effect of missense changes on protein structure and function (SIFT, PolyPhen-2, Align-GVGD) all suggest that this variant is likely to be tolerated, but these predictions have not been confirmed by published functional studies and their clinical significance is uncertain. In summary, the available evidence is currently insufficient to determine the role of this variant in disease. Therefore, it has been classified as a Variant of Uncertain Significance.